The following is an entry in ClinVar:

ClinVar aggregate classification (germline): Pathogenic/Likely pathogenic. Review status: criteria provided, multiple submitters, no conflicts (2 of 4 stars). 3 submissions from 3 submitters: Pathogenic (1); Likely pathogenic (1). 1 of the submissions does not count toward it. Last evaluated 2024-04-22.

Conditions:
Familial cancer of breast. Also called: BREAST CANCER, FAMILIAL; Hereditary breast cancer; hereditary breast carcinoma. Identifiers: Orphanet 227535, MedGen C0346153, MONDO:0016419, OMIM 114480. Disease mechanism: loss of function.
Hereditary cancer-predisposing syndrome. Also called: Neoplastic Syndromes, Hereditary; Hereditary neoplastic syndrome; Tumor predisposition; Hereditary Cancer Syndrome. Identifiers: Orphanet 140162, MedGen C0027672, MeSH D009386, MONDO:0015356.

Submissions (3):

Color Diagnostics, LLC DBA Color Health
Classification: Pathogenic for Hereditary cancer-predisposing syndrome. Last evaluated: 2024-04-22. Review status: criteria provided, single submitter. Criteria: ACMG Guidelines, 2015. Collection method: clinical testing. Allele origin: germline.
Comment: This variant deletes one of two guanine nucleotides at the junction between exon 20 and intron 20. By HGVS convention, the deleted nucleotide is assigned to the first nucleotide of intron 20 and is described as an intron 20 splice donor site variant, c.5332+1del. Splicing algorithms predict that splicing at this intron would not be disrupted but the resulting mRNA would have the deletion of the last nucleotide in exon 20, c.5332del (p.Asp1778Ilefs*15). This variant is expected to result in an absent or non-functional protein product. This variant has been reported in at least one individual each affected with breast cancer or ovarian cancer (PMID: 18512148, 30972954, 38298632). This variant has not been identified in the general population by the Genome Aggregation Database (gnomAD). Loss of BRCA1 function is a known mechanism of disease. Based on the available evidence, this variant is classified as Pathogenic.

Ambry Genetics
Classification: Likely pathogenic for Hereditary cancer-predisposing syndrome. Last evaluated: 2024-01-26. Review status: criteria provided, single submitter. Criteria: Ambry Variant Classification Scheme 2023. Collection method: clinical testing. Allele origin: germline.
Comment: The c.5332+1delG intronic variant, located in intron 19 of the BRCA1 gene, results from a deletion of one nucleotide within intron 19 of the BRCA1 gene. This nucleotide position is highly conserved in available vertebrate species. This alteration has been reported in breast and/or ovarian cancer patients (Chen W et al. Breast Cancer Res Treat, 2009 Sep;117:55-60; Deng H et al. Mol Genet Genomic Med, 2019 Jun;7:e672). In silico splice site analysis predicts that this alteration will weaken the native splice donor site and may result in the creation or strengthening of a novel splice donor site. This variant is considered to be rare based on population cohorts in the Genome Aggregation Database (gnomAD). Alterations that disrupt the canonical splice site are expected to cause aberrant splicing, resulting in an abnormal protein or a transcript that is subject to nonsense-mediated mRNA decay. As such, this alteration is classified as likely pathogenic.

ClinVar Staff, National Center for Biotechnology Information (NCBI)
No classification provided. Condition: Familial cancer of breast. Review status: no classification provided. Collection method: literature only. Allele origin: germline. Affected: yes. Not counted in ClinVar's aggregate classification.

Literature cited by the submitters: PubMed 18512148 (cited by 3 submitters); PubMed 30972954 (cited by Color Diagnostics, LLC DBA Color Health and Ambry Genetics); PubMed 38298632 (cited by Color Diagnostics, LLC DBA Color Health).

NM_007294.4(BRCA1):c.5332+1del

Gene: BRCA1 (BRCA1 DNA repair associated; minus strand). Cytogenetic location: 17q21.31.
Variant type: Deletion.
Coding change: c.5332+1del on transcript NM_007294.4 (MANE Select); the canonical splice donor site of the intron after coding-DNA position 5332, one base deleted (G; older notation c.5332+1delG).
Molecular consequence: splice donor variant. On other transcripts: intron variant (2).
Genome position (GRCh38, 1-based): chr17:43,051,062, C deleted on the plus strand (G on the coding strand, the reverse complement: BRCA1 is on the minus strand); the first of 2 consecutive C bases (chr17:43,051,062-43,051,063); deleting either gives the same sequence. VCF-style (leftmost placement, unchanged base first): chr17-43051061-AC-A. GRCh37 (hg19) VCF-style: chr17-41203078-AC-A.
Other names: c.5332+1delG (NM_007294.3); c.1879+1del (NM_001408465.1, NM_001408463.1, NM_001408462.1 and 7 more transcripts); c.1810+1del (NM_001408482.1, NM_001408484.1, NM_001408485.1 and 5 more transcripts); c.5068+1del (NM_001407920.1, NM_001407923.1, NM_001407922.1 and 4 more transcripts); c.5191+1del (NM_001407696.1, NM_001407725.1, NM_001407727.1 and 13 more transcripts); c.5188+1del (NM_001407751.1, NM_001407740.1, NM_001407739.1 and 21 more transcripts); c.4996+1del (NM_001407954.1, NM_001407952.1, NM_001407950.1 and 3 more transcripts); c.1756+1del (NM_001408504.1, NM_001408503.1, NM_001408502.1); and 75 more.
Identifiers: ClinVar variation 55529 (VCV000055529.5), dbSNP rs397509263, ClinGen allele CA003483.
Genomic context (GRCh38, chr17:43,051,061, plus strand): 5'-AATACTCCACTATGTAAGACAAAGGCTGGTGCTGGAACTCTGGGGTTCTCCCAGGCTCTT[AC>A]CTGTGGGCATGTTGGTGAAGGGCCCATAGCAACAGATTTCTAGCCCCCTGAAGATCTGGA-3'